The following is an entry in ClinVar:

NM_015272.5(RPGRIP1L):c.3274A>G (p.Ile1092Val)

Gene: RPGRIP1L (RPGRIP1 like; minus strand). Cytogenetic location: 16q12.2.
Variant type: single nucleotide variant.
Coding change: c.3274A>G on transcript NM_015272.5 (MANE Select); coding-DNA position 3274, A replaced by G.
Protein change: p.Ile1092Val; replaces isoleucine 1092 with valine.
Molecular consequence: missense variant.
Genome position (GRCh38, 1-based): chr16:53,636,459, T>C on the plus strand (A>G on the coding strand, the complement: RPGRIP1L is on the minus strand). VCF-style: chr16-53636459-T-C. GRCh37 (hg19) VCF-style: chr16-53670371-T-C.
Other names: c.3172A>G, p.Ile1058Val (NM_001127897.4, NM_001330538.2); c.3274A>G, p.Ile1092Val (NM_001308334.3); c.3274A>G (NM_015272.4, NM_015272.2); short protein forms I1058V, I1092V.
Identifiers: ClinVar variation 1419655 (VCV001419655.5), dbSNP rs1965837844, ClinGen allele CA395925653.
Genomic context (GRCh38, chr16:53,636,459, plus strand): 5'-CTTATTTCAGAACATTTCTAGTTGGCATCAAGTTACTGACCTGTTTGATATTCTTGGAGA[T>C]AGGACCTGGAATAATACAGTCATCACTGTCAGAAGCTGACATGTCCTCTTCAACTGTTTA-3'
Protein context (NP_056087.2, residues 1082-1102): DSDDCIIPGP[Ile1092Val]SKNIKQSLAL

ClinVar aggregate classification (germline): Conflicting classifications of pathogenicity. Review status: criteria provided, conflicting classifications (1 of 4 stars). 3 submissions from 3 submitters: Uncertain significance (2); Likely benign (1). Last evaluated 2026-06-22.

Conditions:
Meckel-Gruber syndrome. Also called: DYSENCEPHALIA SPLANCHNOCYSTICA; GRUBER SYNDROME; Dysencephalia splachnocystica. Identifiers: Orphanet 564, MedGen C0265215, MONDO:0018921.
Joubert syndrome. Also called: JOUBERT-BOLTSHAUSER SYNDROME; Familial aplasia of the vermis. Identifiers: Orphanet 475, MedGen C5979921, MONDO:0018772.
RPGRIP1L-related disorder. Also called: RPGRIP1L-related disorders; RPGRIP1L-related condition. Identifiers: MedGen CN239416.
Inborn genetic diseases. Identifiers: MedGen C0950123, MeSH D030342.

Allele frequency attached by ClinVar (database versions not stated): gnomAD exomes below 0.00001; gnomAD 0.00001 and 0.00002; TOPMed 0.00001.

Submissions (3):

PreventionGenetics, part of Exact Sciences
Classification: Uncertain significance for RPGRIP1L-related condition. Last evaluated: 2026-06-22. Review status: criteria provided, single submitter. Criteria: ACMG Guidelines, 2015. Collection method: clinical testing. Allele origin: germline.
Comment: The RPGRIP1L c.3274A>G variant is predicted to result in the amino acid substitution p.Ile1092Val. To our knowledge, this variant has not been reported in the literature or in a large population database (gnomAD), indicating this variant is rare. At this time, the clinical significance of this variant is uncertain due to the absence of conclusive functional and genetic evidence.

Ambry Genetics
Classification: Likely benign for Inborn genetic diseases. Last evaluated: 2025-07-03. Review status: criteria provided, single submitter. Criteria: Ambry Variant Classification Scheme 2023. Collection method: clinical testing. Allele origin: germline.

Labcorp Genetics (formerly Invitae), Labcorp
Classification: Uncertain significance for Joubert syndrome; Meckel-Gruber syndrome. Last evaluated: 2022-07-02. Review status: criteria provided, single submitter. Criteria: Invitae Variant Classification Sherloc (09022015). Collection method: clinical testing. Allele origin: germline.
Comment: This sequence change replaces isoleucine, which is neutral and non-polar, with valine, which is neutral and non-polar, at codon 1092 of the RPGRIP1L protein (p.Ile1092Val). This variant is not present in population databases (gnomAD no frequency). This variant has not been reported in the literature in individuals affected with RPGRIP1L-related conditions. ClinVar contains an entry for this variant (Variation ID: 1419655). Algorithms developed to predict the effect of missense changes on protein structure and function output the following: SIFT: "Tolerated"; PolyPhen-2: "Benign"; Align-GVGD: "Class C0". The valine amino acid residue is found in multiple mammalian species, which suggests that this missense change does not adversely affect protein function. In summary, the available evidence is currently insufficient to determine the role of this variant in disease. Therefore, it has been classified as a Variant of Uncertain Significance.